The following is an entry in ClinVar:

ClinVar aggregate classification (germline): Uncertain significance (1 of 4 stars; one submission).

Conditions:
Cardiovascular phenotype. Identifiers: MedGen CN230736.

Submission:

Ambry Genetics
Classification: Uncertain significance for Cardiovascular phenotype. Last evaluated: 2020-08-04. Review status: criteria provided, single submitter. Criteria: Ambry Variant Classification Scheme 2023. Collection method: clinical testing. Allele origin: germline.
Comment: The p.G34D variant (also known as c.101G>A), located in coding exon 1 of the JPH2 gene, results from a G to A substitution at nucleotide position 101. The glycine at codon 34 is replaced by aspartic acid, an amino acid with similar properties. This amino acid position is highly conserved in available vertebrate species. In addition, this alteration is predicted to be deleterious by in silico analysis. Since supporting evidence is limited at this time, the clinical significance of this alteration remains unclear.

NM_020433.5(JPH2):c.101G>A (p.Gly34Asp)

Gene: JPH2 (junctophilin 2; minus strand). Cytogenetic location: 20q13.12.
Variant type: single nucleotide variant.
Coding change: c.101G>A on transcript NM_020433.5 (MANE Select); coding-DNA position 101, G replaced by A.
Protein change: p.Gly34Asp; replaces glycine 34 with aspartic acid.
Molecular consequence: missense variant.
Genome position (GRCh38, 1-based): chr20:44,186,605, C>T on the plus strand (G>A on the coding strand, the complement: JPH2 is on the minus strand). VCF-style: chr20-44186605-C-T. GRCh37 (hg19) VCF-style: chr20-42815245-C-T.
Other names: c.101G>A, p.Gly34Asp (NM_175913.4); short protein forms G34D.
Identifiers: ClinVar variation 1755954 (VCV001755954.2), dbSNP rs2515764734, ClinGen allele CA409095532.